The following is an entry in ClinVar:

NM_030662.4(MAP2K2):c.110T>A (p.Leu37Gln)

Gene: MAP2K2 (mitogen-activated protein kinase kinase 2; minus strand). Cytogenetic location: 19p13.3.
Variant type: single nucleotide variant.
Coding change: c.110T>A on transcript NM_030662.4 (MANE Select); coding-DNA position 110, T replaced by A.
Protein change: p.Leu37Gln; replaces leucine 37 with glutamine.
Molecular consequence: missense variant.
Genome position (GRCh38, 1-based): chr19:4,117,612, A>T on the plus strand (T>A on the coding strand, the complement: MAP2K2 is on the minus strand). VCF-style: chr19-4117612-A-T. GRCh37 (hg19) VCF-style: chr19-4117610-A-T.
Other names: short protein forms L37Q.
Identifiers: ClinVar variation 2761891 (VCV002761891.4), dbSNP rs2145080869, ClinGen allele CA403392958.

ClinVar aggregate classification (germline): Uncertain significance. Review status: criteria provided, multiple submitters, no conflicts (2 of 4 stars). 2 submissions from 2 submitters: Uncertain significance (2). Last evaluated 2023-09-28.

Conditions:
Cardiovascular phenotype. Identifiers: MedGen CN230736.
RASopathy. Also called: Noonan spectrum disorder; rasopathies. Identifiers: Orphanet 536391, MedGen C5555857, MONDO:0021060.

Submissions (2):

Ambry Genetics
Classification: Uncertain significance for Cardiovascular phenotype. Last evaluated: 2023-09-28. Review status: criteria provided, single submitter. Criteria: Ambry Variant Classification Scheme 2023. Collection method: clinical testing. Allele origin: germline.
Comment: The p.L37Q variant (also known as c.110T>A), located in coding exon 2 of the MAP2K2 gene, results from a T to A substitution at nucleotide position 110. The leucine at codon 37 is replaced by glutamine, an amino acid with dissimilar properties. This amino acid position is conserved. In addition, this alteration is predicted to be deleterious by in silico analysis. Since supporting evidence is limited at this time, the clinical significance of this alteration remains unclear.

Labcorp Genetics (formerly Invitae), Labcorp
Classification: Uncertain significance for RASopathy. Last evaluated: 2023-09-19. Review status: criteria provided, single submitter. Criteria: Invitae Variant Classification Sherloc (09022015). Collection method: clinical testing. Allele origin: germline.
Comment: This variant has not been reported in the literature in individuals affected with MAP2K2-related conditions. This sequence change replaces leucine, which is neutral and non-polar, with glutamine, which is neutral and polar, at codon 37 of the MAP2K2 protein (p.Leu37Gln). This variant is not present in population databases (gnomAD no frequency). Advanced modeling of protein sequence and biophysical properties (such as structural, functional, and spatial information, amino acid conservation, physicochemical variation, residue mobility, and thermodynamic stability) performed at Invitae indicates that this missense variant is expected to disrupt MAP2K2 protein function. In summary, the available evidence is currently insufficient to determine the role of this variant in disease. Therefore, it has been classified as a Variant of Uncertain Significance.